The following is an entry in ClinVar:

NM_001399.5(EDA):c.742-18T>G

Gene: EDA (ectodysplasin A; plus strand). Cytogenetic location: Xq13.1.
Variant type: single nucleotide variant.
Coding change: c.742-18T>G on transcript NM_001399.5 (MANE Select); 18 bases into the intron before coding-DNA position 742, T replaced by G.
Molecular consequence: intron variant.
Genome position (GRCh38, 1-based): chrX:70,030,451, T>G. VCF-style: chrX-70030451-T-G. GRCh37 (hg19) VCF-style: chrX-69250301-T-G.
Other names: c.742-18T>G (NM_001005609.2, NM_001005612.3).
Identifiers: ClinVar variation 179437 (VCV000179437.4), dbSNP rs727504865, ClinGen allele CA184418.

ClinVar aggregate classification (germline): Uncertain significance (1 of 4 stars; one submission).

Submission:

Laboratory for Molecular Medicine, Mass General Brigham Personalized Medicine
Classification: Uncertain significance. Last evaluated: 2013-12-05. Review status: criteria provided, single submitter. Criteria: LMM Criteria. Collection method: clinical testing. Allele origin: germline. Inheritance: X-linked inheritance. Observed: 1 variant allele.
Comment: The 742-18T>G variant in EDA has not been previously reported in any other famil ies with X-linked hypohidrotic ectodermal dysplasia (XLHED) and is absent from l arge population studies. This variant is located in a 3' splice region and compu tational tools do not suggest an impact to splicing. However, this information i s not predictive enough to rule out pathogenicity. This variant was observed, or assumed by obligate carrier status, to segregate in four female family members with mild clinical features or laboratory test results consistent with XLHED. Al though there is no strong evidence that this particular variant is the causative variant, it is possible that the variant is a marker for a different linked but unidentified variant that is causative and co-segregating with disease. In summ ary, additional information is needed to fully assess the clinical significance of the 742-18T>G variant.